The following is an entry in ClinVar:

ClinVar aggregate classification (germline): Likely pathogenic (1 of 4 stars; one submission).

Allele frequency attached by ClinVar (database versions not stated): gnomAD exomes below 0.00001; ExAC 0.00001.
gnomAD v4.1: 2 of 1,613,760 alleles (0.00012%); highest among the groups gnomAD compares: Admixed American, 0.0033%; no homozygotes.

Submission:

Labcorp Genetics (formerly Invitae), Labcorp
Classification: Likely pathogenic. Last evaluated: 2025-04-22. Review status: criteria provided, single submitter. Criteria: Invitae Variant Classification Sherloc (09022015). Collection method: clinical testing. Allele origin: germline.
Comment: This sequence change affects an acceptor splice site in intron 23 of the LTBP2 gene. It is expected to disrupt RNA splicing. Variants that disrupt the donor or acceptor splice site typically lead to a loss of protein function (PMID: 16199547), and loss-of-function variants in LTBP2 are known to be pathogenic (PMID: 19361779, 19656777, 22025892). This variant is present in population databases (rs778560568, gnomAD 0.006%). This variant has not been reported in the literature in individuals affected with LTBP2-related conditions. ClinVar contains an entry for this variant (Variation ID: 1488662). Algorithms developed to predict the effect of sequence changes on RNA splicing suggest that this variant may disrupt the consensus splice site. In summary, the currently available evidence indicates that the variant is pathogenic, but additional data are needed to prove that conclusively. Therefore, this variant has been classified as Likely Pathogenic.

Literature cited by the submitters: PubMed 16199547; PubMed 19361779; PubMed 19656777; PubMed 22025892.

NM_000428.3(LTBP2):c.3527-1G>C

Gene: LTBP2 (latent transforming growth factor beta binding protein 2; minus strand). Cytogenetic location: 14q24.3.
Variant type: single nucleotide variant.
Coding change: c.3527-1G>C on transcript NM_000428.3 (MANE Select); the canonical splice acceptor site of the intron before coding-DNA position 3527, G replaced by C.
Molecular consequence: splice acceptor variant.
Genome position (GRCh38, 1-based): chr14:74,508,730, C>G on the plus strand (G>C on the coding strand, the complement: LTBP2 is on the minus strand). VCF-style: chr14-74508730-C-G. GRCh37 (hg19) VCF-style: chr14-74975433-C-G.
Identifiers: ClinVar variation 1488662 (VCV001488662.8), dbSNP rs778560568, ClinGen allele CA7269124.